The following is an entry in ClinVar:

NM_005198.5(CHKB):c.964_967del (p.Lys322fs)

Genes: CHKB-CPT1B (CHKB-CPT1B readthrough (NMD candidate); minus strand), CHKB (choline kinase beta; minus strand). Cytogenetic location: 22q13.33.
Variant type: Microsatellite.
Coding change: c.964_967del on transcript NM_005198.5 (MANE Select); coding-DNA positions 964 to 967, 4 bases deleted (AAAG; older notation c.964_967delAAAG).
Protein change: p.Lys322fs; shifts the reading frame from lysine 322.
Molecular consequence: frameshift variant. On other transcripts: non-coding transcript variant (1).
Genome position (GRCh38, 1-based): chr22:50,579,791-50,579,794, CTTT deleted on the plus strand (AAAG on the coding strand, the reverse complement: CHKB is on the minus strand); deleting any 4 consecutive bases within chr22:50,579,791-50,579,798 gives the same sequence; the c. name uses the placement nearest the transcript's 3' end. VCF-style (leftmost placement, unchanged base first): chr22-50579790-CCTTT-C. GRCh37 (hg19) VCF-style: chr22-51018219-CCTTT-C.
Other names: short protein forms K322fs.
Identifiers: ClinVar variation 1403550 (VCV001403550.6), dbSNP rs771681297, ClinGen allele CA10323557.
Genomic context (GRCh38, chr22:50,579,790, plus strand): 5'-CTGACTTCTACCAGCAAATCTTCTTCCAGTTTTCTCTGCTCCTCTTGGGAGAGGGTCTCA[CCTTT>C]CTTTGCCTCTGCCAGGTAATGACGAATAAAATGCAACTACGATCAATGGCCAAGAGTCAG-3'

ClinVar aggregate classification (germline): Pathogenic (1 of 4 stars; one submission).

Conditions:
Megaconial type congenital muscular dystrophy (MDCMC). Also called: CHKB-Related Muscular Dystrophy; CHKB-Related Muscle Diseases; MUSCULAR DYSTROPHY, CONGENITAL, WITH MITOCHONDRIAL STRUCTURAL ABNORMALITIES. Identifiers: Orphanet 280671, MedGen C1865233, MONDO:0011246, OMIM 602541.

Submission:

Labcorp Genetics (formerly Invitae), Labcorp
Classification: Pathogenic for Megaconial type congenital muscular dystrophy. Last evaluated: 2021-02-03. Review status: criteria provided, single submitter. Criteria: Invitae Variant Classification Sherloc (09022015). Collection method: clinical testing. Allele origin: germline.
Comment: For these reasons, this variant has been classified as Pathogenic. Algorithms developed to predict the effect of sequence changes on RNA splicing suggest that this variant may create or strengthen a splice site, but this prediction has not been confirmed by published transcriptional studies. This variant has not been reported in the literature in individuals with CHKB-related conditions. This variant is present in population databases (rs771681297, ExAC 0.001%). This sequence change creates a premature translational stop signal (p.Lys322Valfs*18) in the CHKB gene. It is expected to result in an absent or disrupted protein product. Loss-of-function variants in CHKB are known to be pathogenic (PMID: 21665002).

Literature cited by the submitters: PubMed 21665002.